The following is an entry in ClinVar:

ClinVar aggregate classification (germline): Likely benign (1 of 4 stars; one submission).

Conditions:
EPPK1-related disorder. Also called: EPPK1-related condition.

Allele frequency attached by ClinVar (database versions not stated): TOPMed below 0.00001; gnomAD 0.00001; gnomAD exomes 0.00001.
gnomAD v4.1: 5 of 1,575,566 alleles (0.00032%); no homozygotes.

Submission:

PreventionGenetics, part of Exact Sciences
Classification: Likely benign for EPPK1-related condition. Last evaluated: 2021-09-17. Review status: criteria provided, single submitter. Criteria: ACMG Guidelines, 2015. Collection method: clinical testing. Allele origin: germline.
Comment: This variant is classified as likely benign based on ACMG/AMP sequence variant interpretation guidelines (Richards et al. 2015 PMID: 25741868, with internal and published modifications).

NM_031308.4(EPPK1):c.6732C>T (p.Ser2244=)

Gene: EPPK1 (epiplakin 1; minus strand). Cytogenetic location: 8q24.3.
Variant type: single nucleotide variant.
Coding change: c.6732C>T on transcript NM_031308.4 (MANE Select); coding-DNA position 6732, C replaced by T.
Protein change: p.Ser2244=; no amino-acid change (serine 2244 retained).
Molecular consequence: synonymous variant.
Genome position (GRCh38, 1-based): chr8:143,866,522, G>A on the plus strand (C>T on the coding strand, the complement: EPPK1 is on the minus strand). VCF-style: chr8-143866522-G-A.
Identifiers: ClinVar variation 3052691 (VCV003052691.1), dbSNP rs1819111498, ClinGen allele CA848824512.